The following is an entry in ClinVar:

ClinVar aggregate classification (germline): Pathogenic/Likely pathogenic. Review status: criteria provided, multiple submitters, no conflicts (2 of 4 stars). 7 submissions from 7 submitters: Pathogenic (3); Likely pathogenic (2). 2 of the submissions do not count toward it. Last evaluated 2025-09-21.

Conditions:
SCN1A-related disorder. Also called: SCN1A-related conditions; SCN1A-related condition; SCN1A-related disorders.
Early-infantile DEE. Also called: Early infantile epileptic encephalopathy with suppression bursts; Ohtahara syndrome; Early infantile epileptic encephalopathy. Identifiers: Orphanet 1934, MedGen C0393706, MONDO:0800491.
Severe myoclonic epilepsy in infancy (DRVT). Also called: DEVELOPMENTAL AND EPILEPTIC ENCEPHALOPATHY 6A; Severe Myoclonic Epilepsy in Infancy (SMEI); Dravet syndrome; SEVERE MYOCLONIC EPILEPSY OF INFANCY; Epileptic encephalopathy, early infantile, 6 (Dravet syndrome). Identifiers: Orphanet 33069, MedGen C0751122, MONDO:0100135, OMIM 607208.

Submissions (7):

Labcorp Genetics (formerly Invitae), Labcorp
Classification: Pathogenic for Early-infantile DEE. Last evaluated: 2025-09-21. Review status: criteria provided, single submitter. Criteria: Invitae Variant Classification Sherloc (09022015). Collection method: clinical testing. Allele origin: germline.
Comment: This sequence change replaces arginine, which is basic and polar, with cysteine, which is neutral and slightly polar, at codon 931 of the SCN1A protein (p.Arg931Cys). This variant is not present in population databases (gnomAD no frequency). This missense change has been observed in individual(s) with Dravet syndrome (PMID: 12083760, 18076640). In at least one individual the variant was observed to be de novo. This variant is also known as Arg921Cys. ClinVar contains an entry for this variant (Variation ID: 68598). Invitae Evidence Modeling of protein sequence and biophysical properties (such as structural, functional, and spatial information, amino acid conservation, physicochemical variation, residue mobility, and thermodynamic stability) indicates that this missense variant is expected to disrupt SCN1A protein function with a positive predictive value of 95%. This variant disrupts the p.Arg931 amino acid residue in SCN1A. Other variant(s) that disrupt this residue have been determined to be pathogenic (PMID: 25243660, 27231140, 28079314). This suggests that this residue is clinically significant, and that variants that disrupt this residue are likely to be disease-causing. For these reasons, this variant has been classified as Pathogenic.

Genomic Medicine Center of Excellence, King Faisal Specialist Hospital and Research Centre
Classification: Likely pathogenic for Severe myoclonic epilepsy in infancy. Last evaluated: 2025-09-10. Review status: criteria provided, single submitter. Criteria: ACMG Guidelines, 2015. Collection method: clinical testing. Allele origin: germline.

CeGaT Center for Human Genetics Tuebingen
Classification: Pathogenic. Last evaluated: 2025-06-01. Review status: criteria provided, single submitter. Criteria: CeGaT Center For Human Genetics Tuebingen Variant Classification Criteria Version 2. Collection method: clinical testing. Allele origin: germline. Affected: yes. Observed: 3 variant alleles.
Comment: SCN1A: PM6:Strong, PM2, PM5, PS4:Moderate, PP2, PP3

GeneDx
Classification: Pathogenic. Last evaluated: 2025-05-22. Review status: criteria provided, single submitter. Criteria: GeneDx Variant Classification Process June 2021. Collection method: clinical testing. Allele origin: germline. Affected: yes.
Comment: Not observed at significant frequency in large population cohorts (gnomAD); In silico analysis supports that this missense variant has a deleterious effect on protein structure/function; This substitution is predicted to be within the extracellular loop between the S5 and S6 transmembrane segments of the second homologous domain; This variant is associated with the following publications: (PMID: 18804930, 13129592, 16458823, 12083760, 34469436, 31864146, 32090326, 18930999, 15277629, 18076640, 34489640, 32725632, 35074891, 31440721, 35571373, 38785537)

Eurofins Ntd Llc (ga)
Classification: Likely pathogenic. Last evaluated: 2014-04-30. Review status: criteria provided, single submitter. Criteria: EGL Classification Definitions 2015. Collection method: clinical testing. Allele origin: germline. Observed: 1 variant allele, 1 heterozygote.

PreventionGenetics, part of Exact Sciences
Classification: Pathogenic for SCN1A-related condition. Last evaluated: 2023-11-27. Review status: no assertion criteria provided. Collection method: clinical testing. Allele origin: germline. Not counted in ClinVar's aggregate classification.
Comment: The SCN1A c.2791C>T variant is predicted to result in the amino acid substitution p.Arg931Cys. This variant has been reported, with many de novo occurrences, in multiple individuals with SCN1A-related disorders (Ohmori et al. 2002. PubMed ID: 12083760; Truty R et al. 2019. PubMed ID: 31440721; Gertler TS et al. 2019. PubMed ID: 31864146; Gall K et al. 2021. PubMed ID: 34469436; Jiang T et al. 2021. PubMed ID: 34489640; Chen C et al. 2022. PubMed ID: 35571373; Wyers et al. 2021. PubMed ID: 3344514). Alternate nucleotide changes affecting the same amino acid (p.Arg931Ser, p.Arg931His, p.Arg931Pro) have been reported in individuals with SCN1A-related disease and reported to be pathogenic (Do TT et al. 2017. PubMed ID: 28079314). The c.2791C>T (p.Arg931Cys) variant has not been reported in a large population database, indicating it is rare. This variant is interpreted as pathogenic.

UniProtKB/Swiss-Prot
No classification provided. Condition: Severe myoclonic epilepsy in infancy. Review status: no classification provided. Collection method: not provided. Allele origin: not provided. Not counted in ClinVar's aggregate classification.

Literature cited by the submitters: PubMed 12083760 (cited by Labcorp Genetics (formerly Invitae), Labcorp); PubMed 18076640 (cited by Labcorp Genetics (formerly Invitae), Labcorp); PubMed 25243660 (cited by Labcorp Genetics (formerly Invitae), Labcorp); PubMed 27231140 (cited by Labcorp Genetics (formerly Invitae), Labcorp); PubMed 28079314 (cited by Labcorp Genetics (formerly Invitae), Labcorp).

NM_001165963.4(SCN1A):c.2791C>T (p.Arg931Cys)

Gene: SCN1A (sodium voltage-gated channel alpha subunit 1; minus strand). Cytogenetic location: 2q24.3.
Variant type: single nucleotide variant.
Coding change: c.2791C>T on transcript NM_001165963.4 (MANE Select); coding-DNA position 2791, C replaced by T.
Protein change: p.Arg931Cys; replaces arginine 931 with cysteine.
Molecular consequence: missense variant. On other transcripts: non-coding transcript variant (1).
Genome position (GRCh38, 1-based): chr2:166,037,931, G>A on the plus strand (C>T on the coding strand, the complement: SCN1A is on the minus strand). VCF-style: chr2-166037931-G-A. GRCh37 (hg19) VCF-style: chr2-166894441-G-A.
Other names: p.R931C:CGC>TGC; c.2707C>T, p.Arg903Cys (NM_001165964.3, NM_001353957.2, NM_001353958.2); c.2791C>T, p.Arg931Cys (NM_001202435.3, NM_001353948.2); c.2758C>T, p.Arg920Cys (NM_001353949.2, NM_001353950.2, NM_001353951.2 and 2 more transcripts); c.2755C>T, p.Arg919Cys (NM_001353954.2, NM_001353955.2); c.2704C>T, p.Arg902Cys (NM_001353960.2); c.349C>T, p.Arg117Cys (NM_001353961.2); c.2791C>T (NM_001202435.1); short protein forms R920C, R931C, R117C, R902C, R903C, R919C.
Identifiers: ClinVar variation 68598 (VCV000068598.52), dbSNP rs121918788, ClinGen allele CA273369.
Genomic context (GRCh38, chr2:166,037,931, plus strand): 5'-CCCCACACAGCACGCGGAACACAATCAGGAAGGAGTGGAAGAAGTCATTCATGTGCCAGC[G>A]TGGGAGTTGACAATCACTGGCGATCTTGCAGACACAATCTTTGTAGCTTTTACCAAAGAG-3'
Protein context (NP_001159435.1, residues 921-941): CKIASDCQLP[Arg931Cys]WHMNDFFHSF